The following is an entry in ClinVar:

NM_001174089.2(SLC4A11):c.223A>G (p.Met75Val)

Gene: SLC4A11 (solute carrier family 4 member 11; minus strand). Cytogenetic location: 20p13.
Variant type: single nucleotide variant.
Coding change: c.223A>G on transcript NM_001174089.2 (MANE Select); coding-DNA position 223, A replaced by G.
Protein change: p.Met75Val; replaces methionine 75 with valine.
Molecular consequence: missense variant. On other transcripts: non-coding transcript variant (3).
Genome position (GRCh38, 1-based): chr20:3,234,760, T>C on the plus strand (A>G on the coding strand, the complement: SLC4A11 is on the minus strand). VCF-style: chr20-3234760-T-C. GRCh37 (hg19) VCF-style: chr20-3215406-T-C.
Other names: c.352A>G, p.Met118Val (NM_001174090.2, NM_001400280.1); c.223A>G, p.Met75Val (NM_001363745.2); c.166A>G, p.Met56Val (NM_001400277.1, NM_001400278.1, NM_001400279.1); c.271A>G, p.Met91Val (NM_032034.4); c.271A>G (NM_032034.3); short protein forms M118V, M56V, M75V, M91V.
Identifiers: ClinVar variation 4801358 (VCV004801358.2).

ClinVar aggregate classification (germline): Conflicting classifications of pathogenicity. Review status: criteria provided, conflicting classifications (1 of 4 stars). 2 submissions from 2 submitters: Uncertain significance (1); Likely benign (1). Last evaluated 2025-12-18.

Conditions:
SLC4A11-related disorder. Also called: SLC4A11-related condition.

gnomAD v4.1: 47 of 1,613,920 alleles (0.0029%); highest among the groups gnomAD compares: East Asian, 0.1%; 1 homozygote.

Submissions (2):

Labcorp Genetics (formerly Invitae), Labcorp
Classification: Likely benign. Last evaluated: 2025-12-18. Review status: criteria provided, single submitter. Criteria: Invitae Variant Classification Sherloc (09022015). Collection method: clinical testing. Allele origin: germline.

PreventionGenetics, part of Exact Sciences
Classification: Uncertain significance for SLC4A11-related condition. Last evaluated: 2025-09-17. Review status: criteria provided, single submitter. Criteria: ACMG Guidelines, 2015. Collection method: clinical testing. Allele origin: germline.
Comment: The SLC4A11 c.271A>G variant is predicted to result in the amino acid substitution p.Met91Val. To our knowledge, this variant has not been reported in the literature. This variant is reported in 0.16% of alleles in individuals of East Asian descent in gnomAD. Although we suspect that this variant may be benign, at this time, the clinical significance of this variant is uncertain due to the absence of conclusive functional and genetic evidence.